The following is an entry in ClinVar:

NM_004646.4(NPHS1):c.479G>A (p.Cys160Tyr)

Gene: NPHS1 (NPHS1 adhesion molecule, nephrin; minus strand). Cytogenetic location: 19q13.12.
Variant type: single nucleotide variant.
Coding change: c.479G>A on transcript NM_004646.4 (MANE Select); coding-DNA position 479, G replaced by A.
Protein change: p.Cys160Tyr; replaces cysteine 160 with tyrosine.
Molecular consequence: missense variant.
Genome position (GRCh38, 1-based): chr19:35,851,008, C>T on the plus strand (G>A on the coding strand, the complement: NPHS1 is on the minus strand). VCF-style: chr19-35851008-C-T. GRCh37 (hg19) VCF-style: chr19-36341910-C-T.
Other names: short protein forms C160Y.
Identifiers: ClinVar variation 1454548 (VCV001454548.8), dbSNP rs386833944, ClinGen allele CA405409909.

ClinVar aggregate classification (germline): Pathogenic (1 of 4 stars; one submission).

Allele frequency attached by ClinVar (database versions not stated): gnomAD exomes below 0.00001.
gnomAD v4.1: 1 of 1,614,152 alleles (0.000062%); highest among the groups gnomAD compares: Non-Finnish European, 0.000085%; no homozygotes.

Submission:

Labcorp Genetics (formerly Invitae), Labcorp
Classification: Pathogenic. Last evaluated: 2022-02-05. Review status: criteria provided, single submitter. Criteria: Invitae Variant Classification Sherloc (09022015). Collection method: clinical testing. Allele origin: germline.
Comment: This variant is not present in population databases (gnomAD no frequency). For these reasons, this variant has been classified as Pathogenic. This variant disrupts the p.Cys160 amino acid residue in NPHS1. Other variant(s) that disrupt this residue have been determined to be pathogenic (PMID: 19321760, 24142548, 29474669). This suggests that this residue is clinically significant, and that variants that disrupt this residue are likely to be disease-causing. Advanced modeling of protein sequence and biophysical properties (such as structural, functional, and spatial information, amino acid conservation, physicochemical variation, residue mobility, and thermodynamic stability) performed at Invitae indicates that this missense variant is expected to disrupt NPHS1 protein function. This missense change has been observed in individual(s) with nephrotic syndrome (Invitae). In at least one individual the data is consistent with being in trans (on the opposite chromosome) from a pathogenic variant. This sequence change replaces cysteine, which is neutral and slightly polar, with tyrosine, which is neutral and polar, at codon 160 of the NPHS1 protein (p.Cys160Tyr).

Literature cited by the submitters: PubMed 19321760; PubMed 24142548; PubMed 29474669.